The following is an entry in ClinVar:

ClinVar aggregate classification (germline): Uncertain significance. Review status: criteria provided, multiple submitters, no conflicts (2 of 4 stars). 2 submissions from 2 submitters: Uncertain significance (2). Last evaluated 2024-04-01.

Conditions:
Hereditary cancer-predisposing syndrome. Also called: Neoplastic Syndromes, Hereditary; Tumor predisposition; Hereditary Cancer Syndrome; Hereditary neoplastic syndrome. Identifiers: Orphanet 140162, MedGen C0027672, MeSH D009386, MONDO:0015356.
Bloom syndrome (BLM). Also called: Bloom-Torre-Machacek syndrome. Identifiers: Orphanet 125, MedGen C0005859, MONDO:0008876, OMIM 210900.

Allele frequency attached by ClinVar (database versions not stated): gnomAD exomes below 0.00001.
gnomAD v4.1: 1 of 1,613,870 alleles (0.000062%); highest among the groups gnomAD compares: Non-Finnish European, 0.000085%; no homozygotes.

Submissions (2):

Ambry Genetics
Classification: Uncertain significance for Hereditary cancer-predisposing syndrome. Last evaluated: 2024-04-01. Review status: criteria provided, single submitter. Criteria: Ambry Variant Classification Scheme 2023. Collection method: clinical testing. Allele origin: germline.
Comment: The p.P521S variant (also known as c.1561C>T), located in coding exon 6 of the BLM gene, results from a C to T substitution at nucleotide position 1561. The proline at codon 521 is replaced by serine, an amino acid with similar properties. This amino acid position is well conserved in available vertebrate species. In addition, this alteration is predicted to be tolerated by in silico analysis. Since supporting evidence is limited at this time, the clinical significance of this alteration remains unclear.

Labcorp Genetics (formerly Invitae), Labcorp
Classification: Uncertain significance for Bloom syndrome. Last evaluated: 2024-01-27. Review status: criteria provided, single submitter. Criteria: Invitae Variant Classification Sherloc (09022015). Collection method: clinical testing. Allele origin: germline.
Comment: This sequence change replaces proline, which is neutral and non-polar, with serine, which is neutral and polar, at codon 521 of the BLM protein (p.Pro521Ser). This variant is present in population databases (no rsID available, gnomAD 0.0009%). This variant has not been reported in the literature in individuals affected with BLM-related conditions. ClinVar contains an entry for this variant (Variation ID: 819545). Advanced modeling of protein sequence and biophysical properties (such as structural, functional, and spatial information, amino acid conservation, physicochemical variation, residue mobility, and thermodynamic stability) performed at Invitae indicates that this missense variant is not expected to disrupt BLM protein function with a negative predictive value of 80%. In summary, the available evidence is currently insufficient to determine the role of this variant in disease. Therefore, it has been classified as a Variant of Uncertain Significance.

NM_000057.4(BLM):c.1561C>T (p.Pro521Ser)

Gene: BLM (BLM RecQ like helicase; plus strand). Cytogenetic location: 15q26.1.
Variant type: single nucleotide variant.
Coding change: c.1561C>T on transcript NM_000057.4 (MANE Select); coding-DNA position 1561, C replaced by T.
Protein change: p.Pro521Ser; replaces proline 521 with serine.
Molecular consequence: missense variant.
Genome position (GRCh38, 1-based): chr15:90,760,934, C>T. VCF-style: chr15-90760934-C-T. GRCh37 (hg19) VCF-style: chr15-91304164-C-T.
Other names: c.1561C>T, p.Pro521Ser (NM_001287246.2, NM_001287247.2); c.436C>T, p.Pro146Ser (NM_001287248.2); short protein forms P146S, P521S.
Identifiers: ClinVar variation 819545 (VCV000819545.8), dbSNP rs1451973495, ClinGen allele CA393843333.